The following is an entry in ClinVar:

ClinVar aggregate classification (germline): Uncertain significance. Review status: criteria provided, multiple submitters, no conflicts (2 of 4 stars). 2 submissions from 2 submitters: Uncertain significance (2). Last evaluated 2026-01-12.

Conditions:
Glanzmann thrombasthenia. Also called: BLEEDING DISORDER, PLATELET-TYPE, 2; THROMBASTHENIA OF GLANZMANN AND NAEGELI; PLATELET GLYCOPROTEIN IIb-IIIa DEFICIENCY; Thrombasthenia; Glanzmann's thrombasthenia. Identifiers: Orphanet 849, MedGen C0040015, MONDO:0100326.

Allele frequency attached by ClinVar (database versions not stated): ExAC 0.00018; TOPMed 0.00031; gnomAD 0.00034; 1000 Genomes Project 30x 0.00047; 1000 Genomes Project 0.00060; ESP Exome Variant Server 0.00069.

Submissions (2):

Labcorp Genetics (formerly Invitae), Labcorp
Classification: Uncertain significance for Glanzmann thrombasthenia. Last evaluated: 2026-01-12. Review status: criteria provided, single submitter. Criteria: Invitae Variant Classification Sherloc (09022015). Collection method: clinical testing. Allele origin: germline.
Comment: This sequence change replaces arginine, which is basic and polar, with glutamine, which is neutral and polar, at codon 399 of the ITGA2B protein (p.Arg399Gln). This variant is present in population databases (rs146983962, gnomAD 0.09%). This variant has not been reported in the literature in individuals affected with ITGA2B-related conditions. ClinVar contains an entry for this variant (Variation ID: 2416626). An algorithm developed to predict the effect of missense changes on protein structure and function outputs the following: PolyPhen-2: "Benign". The glutamine amino acid residue is found in multiple mammalian species, which suggests that this missense change does not adversely affect protein function. In summary, the available evidence is currently insufficient to determine the role of this variant in disease. Therefore, it has been classified as a Variant of Uncertain Significance.

Greenwood Genetic Center Diagnostic Laboratories, Greenwood Genetic Center
Classification: Uncertain significance. Last evaluated: 2022-12-19. Review status: criteria provided, single submitter. Criteria: ACMG Guidelines, 2015. Collection method: clinical testing. Allele origin: germline. Affected: yes.
Comment: PM2, BP4

NM_000419.5(ITGA2B):c.1196G>A (p.Arg399Gln)

Gene: ITGA2B (integrin subunit alpha 2b; minus strand). Cytogenetic location: 17q21.31.
Variant type: single nucleotide variant.
Coding change: c.1196G>A on transcript NM_000419.5 (MANE Select); coding-DNA position 1196, G replaced by A.
Protein change: p.Arg399Gln; replaces arginine 399 with glutamine.
Molecular consequence: missense variant.
Genome position (GRCh38, 1-based): chr17:44,383,507, C>T on the plus strand (G>A on the coding strand, the complement: ITGA2B is on the minus strand). VCF-style: chr17-44383507-C-T. GRCh37 (hg19) VCF-style: chr17-42460875-C-T.
Other names: short protein forms R399Q.
Identifiers: ClinVar variation 2416626 (VCV002416626.10), dbSNP rs146983962, ClinGen allele CA8603206.
Genomic context (GRCh38, chr17:44,383,507, plus strand): 5'-GGCTGTTAACCCCTCTGCAGCAAGTAGGGCTCCTCTCTTCCCTCACCATTGTAGCCATCC[C>T]GGTCGAGGTCGCCCAGGGGTGCGATGGCAGAGCCGAATCGCCCATAGAGCTGTGTGCCAG-3'
Protein context (NP_000410.2, residues 389-409): SAIAPLGDLD[Arg399Gln]DGYNDIAVAA